The following is an entry in ClinVar:

ClinVar aggregate classification (germline): Uncertain significance (1 of 4 stars; one submission).

Conditions:
Tuberous sclerosis 1 (TSC1). Identifiers: Orphanet 805, MedGen C1854465, MONDO:0008612, OMIM 191100.

Allele frequency attached by ClinVar (database versions not stated): gnomAD exomes below 0.00001.

Submission:

Labcorp Genetics (formerly Invitae), Labcorp
Classification: Uncertain significance for Tuberous sclerosis 1. Last evaluated: 2019-12-23. Review status: criteria provided, single submitter. Criteria: Invitae Variant Classification Sherloc (09022015). Collection method: clinical testing. Allele origin: germline.
Comment: In summary, the available evidence is currently insufficient to determine the role of this variant in disease. Therefore, it has been classified as a Variant of Uncertain Significance. Algorithms developed to predict the effect of missense changes on protein structure and function are either unavailable or do not agree on the potential impact of this missense change (SIFT: "Tolerated"; PolyPhen-2: "Probably Damaging"; Align-GVGD: "Class C0"). This variant has not been reported in the literature in individuals with TSC1-related conditions. This variant is not present in population databases (ExAC no frequency). This sequence change replaces serine with proline at codon 108 of the TSC1 protein (p.Ser108Pro). The serine residue is moderately conserved and there is a moderate physicochemical difference between serine and proline.

NM_000368.5(TSC1):c.322T>C (p.Ser108Pro)

Gene: TSC1 (TSC complex subunit 1; minus strand). Cytogenetic location: 9q34.13.
Variant type: single nucleotide variant.
Coding change: c.322T>C on transcript NM_000368.5 (MANE Select); coding-DNA position 322, T replaced by C.
Protein change: p.Ser108Pro; replaces serine 108 with proline.
Molecular consequence: missense variant. On other transcripts: 5 prime UTR variant (1), intron variant (1).
Genome position (GRCh38, 1-based): chr9:132,925,628, A>G on the plus strand (T>C on the coding strand, the complement: TSC1 is on the minus strand). VCF-style: chr9-132925628-A-G. GRCh37 (hg19) VCF-style: chr9-135801015-A-G.
Other names: c.322T>C, p.Ser108Pro (NM_001162426.2); c.-42T>C (NM_001362177.2); c.210+1573T>C (NM_001162427.2); short protein forms S108P.
Identifiers: ClinVar variation 849230 (VCV000849230.10), dbSNP rs1178072536, ClinGen allele CA375374439.